The following is an entry in ClinVar:

ClinVar aggregate classification (germline): Uncertain significance (1 of 4 stars; one submission).

Conditions:
Gastrointestinal stromal tumor. Also called: Gastrointestinal stromal tumor, somatic; Gastrointestinal stroma tumor. Identifiers: Orphanet 44890, MedGen C0238198, MeSH D046152, MONDO:0011719, OMIM 606764, HP:0100723.

Submission:

Labcorp Genetics (formerly Invitae), Labcorp
Classification: Uncertain significance for Gastrointestinal stromal tumor. Last evaluated: 2025-02-25. Review status: criteria provided, single submitter. Criteria: Invitae Variant Classification Sherloc (09022015). Collection method: clinical testing. Allele origin: germline.
Comment: This sequence change replaces glutamic acid, which is acidic and polar, with alanine, which is neutral and non-polar, at codon 399 of the PDGFRA protein (p.Glu399Ala). This variant is not present in population databases (gnomAD no frequency). This variant has not been reported in the literature in individuals affected with PDGFRA-related conditions. ClinVar contains an entry for this variant (Variation ID: 966486). Invitae Evidence Modeling of protein sequence and biophysical properties (such as structural, functional, and spatial information, amino acid conservation, physicochemical variation, residue mobility, and thermodynamic stability) indicates that this missense variant is not expected to disrupt PDGFRA protein function with a negative predictive value of 80%. In summary, the available evidence is currently insufficient to determine the role of this variant in disease. Therefore, it has been classified as a Variant of Uncertain Significance.

NM_006206.6(PDGFRA):c.1196A>C (p.Glu399Ala)

Gene: PDGFRA (platelet derived growth factor receptor alpha; plus strand). Cytogenetic location: 4q12.
Variant type: single nucleotide variant.
Coding change: c.1196A>C on transcript NM_006206.6 (MANE Select); coding-DNA position 1196, A replaced by C.
Protein change: p.Glu399Ala; replaces glutamic acid 399 with alanine.
Molecular consequence: missense variant.
Genome position (GRCh38, 1-based): chr4:54,270,707, A>C. VCF-style: chr4-54270707-A-C. GRCh37 (hg19) VCF-style: chr4-55136874-A-C.
Other names: c.1196A>C, p.Glu399Ala (NM_001347827.2, NM_001347829.2); c.1271A>C, p.Glu424Ala (NM_001347828.2); c.1235A>C, p.Glu412Ala (NM_001347830.2); short protein forms E412A, E424A, E399A.
Identifiers: ClinVar variation 966486 (VCV000966486.10), dbSNP rs1723297042, ClinGen allele CA356892029.